The following is an entry in ClinVar:

ClinVar aggregate classification (germline): Uncertain significance (1 of 4 stars; one submission).

Conditions:
Dilated cardiomyopathy 1CC (CMD1CC). Identifiers: Orphanet 154, MedGen C2751084, MONDO:0013147, OMIM 613122.
Hypertrophic cardiomyopathy 20. Identifiers: MedGen C3151267, MONDO:0013477, OMIM 613876.

Allele frequency attached by ClinVar (database versions not stated): gnomAD 0.00001; TOPMed 0.00001.
gnomAD v4.1: 5 of 1,591,180 alleles (0.00031%); highest among the groups gnomAD compares: Non-Finnish European, 0.00034%; no homozygotes.

Submission:

Labcorp Genetics (formerly Invitae), Labcorp
Classification: Uncertain significance for Dilated cardiomyopathy 1CC; Hypertrophic cardiomyopathy 20. Last evaluated: 2020-03-05. Review status: criteria provided, single submitter. Criteria: Invitae Variant Classification Sherloc (09022015). Collection method: clinical testing. Allele origin: germline.
Comment: This variant is not present in population databases (ExAC no frequency). This sequence change replaces aspartic acid with histidine at codon 356 of the NEXN protein (p.Asp356His). The aspartic acid residue is moderately conserved and there is a moderate physicochemical difference between aspartic acid and histidine. This variant has not been reported in the literature in individuals with NEXN-related conditions. In summary, the available evidence is currently insufficient to determine the role of this variant in disease. Therefore, it has been classified as a Variant of Uncertain Significance. Algorithms developed to predict the effect of missense changes on protein structure and function are either unavailable or do not agree on the potential impact of this missense change (SIFT: "Deleterious"; PolyPhen-2: "Probably Damaging"; Align-GVGD: "Class C0").

NM_144573.4(NEXN):c.1066G>C (p.Asp356His)

Gene: NEXN (nexilin F-actin binding protein; plus strand). Cytogenetic location: 1p31.1.
Variant type: single nucleotide variant.
Coding change: c.1066G>C on transcript NM_144573.4 (MANE Select); coding-DNA position 1066, G replaced by C.
Protein change: p.Asp356His; replaces aspartic acid 356 with histidine.
Molecular consequence: missense variant.
Genome position (GRCh38, 1-based): chr1:77,933,294, G>C. VCF-style: chr1-77933294-G-C. GRCh37 (hg19) VCF-style: chr1-78398979-G-C.
Other names: c.874G>C, p.Asp292His (NM_001172309.2); short protein forms D292H, D356H.
Identifiers: ClinVar variation 1045589 (VCV001045589.8), dbSNP rs1257882038, ClinGen allele CA340876539.